The following is an entry in ClinVar:

NM_033380.3(COL4A5):c.4508G>C (p.Arg1503Thr)

Gene: COL4A5 (collagen type IV alpha 5 chain; plus strand). Cytogenetic location: Xq22.3.
Variant type: single nucleotide variant.
Coding change: c.4508G>C on transcript NM_033380.3 (MANE Select); coding-DNA position 4508, G replaced by C.
Protein change: p.Arg1503Thr; replaces arginine 1503 with threonine.
Molecular consequence: missense variant.
Genome position (GRCh38, 1-based): chrX:108,687,674, G>C. VCF-style: chrX-108687674-G-C. GRCh37 (hg19) VCF-style: chrX-107930904-G-C.
Other names: c.4490G>C, p.Arg1497Thr (NM_000495.5); short protein forms R1497T, R1503T.
Identifiers: ClinVar variation 1420010 (VCV001420010.10), dbSNP rs2147991674, ClinGen allele CA413854756.

ClinVar aggregate classification (germline): Uncertain significance. Review status: criteria provided, multiple submitters, no conflicts (2 of 4 stars). 2 submissions from 2 submitters: Uncertain significance (2). Last evaluated 2024-02-23.

Conditions:
X-linked Alport syndrome (ATS1). Also called: NEPHROPATHY AND DEAFNESS, X-LINKED; COL4A5-Related Nephropathy. Identifiers: Orphanet 63, Orphanet 88917, MedGen C4746986, MONDO:0010520, OMIM 301050.

Submissions (2):

Labcorp Genetics (formerly Invitae), Labcorp
Classification: Uncertain significance. Last evaluated: 2024-02-23. Review status: criteria provided, single submitter. Criteria: Invitae Variant Classification Sherloc (09022015). Collection method: clinical testing. Allele origin: germline.
Comment: This sequence change replaces arginine, which is basic and polar, with threonine, which is neutral and polar, at codon 1497 of the COL4A5 protein (p.Arg1497Thr). This variant is not present in population databases (gnomAD no frequency). This missense change has been observed in individual(s) with clinical features of Alport syndrome (Invitae). ClinVar contains an entry for this variant (Variation ID: 1420010). Advanced modeling of protein sequence and biophysical properties (such as structural, functional, and spatial information, amino acid conservation, physicochemical variation, residue mobility, and thermodynamic stability) has been performed at Invitae for this missense variant, however the output from this modeling did not meet the statistical confidence thresholds required to predict the impact of this variant on COL4A5 protein function. In summary, the available evidence is currently insufficient to determine the role of this variant in disease. Therefore, it has been classified as a Variant of Uncertain Significance.

Molecular Genetics, Royal Melbourne Hospital
Classification: Uncertain significance for X-linked Alport syndrome. Last evaluated: 2020-03-10. Review status: criteria provided, single submitter. Criteria: ACMG Guidelines, 2015. Collection method: clinical testing. Allele origin: germline. Affected: yes.
Comment: This sequence change is predicted to replace arginine with threonine at codon 1497 of the COL4A5 protein (p.Arg1497Thr). The arginine residue is highly conserved (100 vertebrates, UCSC), and is located in the collagen IV NC1 domain. There is a moderate physicochemical difference between arginine and threonine. The variant is absent in a large population cohort (gnomAD v2.1 - PM2), and has not been reported in the relevant medical literature or databases. Multiple lines of computational evidence predict a deleterious effect for the missense substitution (7/7 algorithms - PP3). Additionally, a missense substitution (p.Ala1498Asp) affecting one amino acid downstream of this variant has been shown to affect collagen IV trimer formation (PMID: 18083113), suggesting that this region is important for protein function. Based on the classification scheme RMH ACMG Guidelines v1.2.1, this variant is classified as a VARIANT of UNCERTAIN SIGNIFICANCE. Following criteria are met: PM2, PP3.

Literature cited by the submitters: PubMed 18083113 (cited by Molecular Genetics, Royal Melbourne Hospital).